The following is an entry in ClinVar:

ClinVar aggregate classification (germline): Uncertain significance (1 of 4 stars; one submission).

Submission:

CeGaT Center for Human Genetics Tuebingen
Classification: Uncertain significance. Last evaluated: 2026-02-01. Review status: criteria provided, single submitter. Criteria: CeGaT Center For Human Genetics Tuebingen Variant Classification Criteria Version 2. Collection method: clinical testing. Allele origin: germline. Affected: yes. Observed: 1 variant allele.
Comment: CACNA1G: PM2, BP4

NM_018896.5(CACNA1G):c.-2G>T

Genes: CACNA1G-AS1 (CACNA1G antisense RNA 1; minus strand), CACNA1G (calcium voltage-gated channel subunit alpha1 G; plus strand). Cytogenetic location: 17q21.33.
Variant type: single nucleotide variant.
Coding change: c.-2G>T on transcript NM_018896.5 (MANE Select); 2 bases upstream of the start codon, G replaced by T.
Molecular consequence: 5 prime UTR variant. On other transcripts: non-coding transcript variant (5).
Genome position (GRCh38, 1-based): chr17:50,561,458, G>T. VCF-style: chr17-50561458-G-T. GRCh37 (hg19) VCF-style: chr17-48638819-G-T.
Other names: c.-2G>T (NM_001256324.2, NM_001256325.2, NM_001256326.2 and 24 more transcripts).
Identifiers: ClinVar variation 4823246 (VCV004823246.4).